The following is an entry in ClinVar:

NM_001002295.2(GATA3):c.733delinsCC (p.Thr245fs)

Gene: GATA3 (GATA binding protein 3; plus strand). Cytogenetic location: 10p14.
Variant type: Indel.
Coding change: c.733delinsCC on transcript NM_001002295.2 (MANE Select); coding-DNA position 733, A replaced by CC.
Protein change: p.Thr245fs; shifts the reading frame from threonine 245.
Molecular consequence: frameshift variant.
Genome position (GRCh38, 1-based): chr10:8,058,796, A replaced by CC. VCF-style: chr10-8058796-A-CC. GRCh37 (hg19) VCF-style: chr10-8100759-A-CC.
Other names: c.733delinsCC, p.Thr245fs (NM_002051.3); short protein forms T245fs.
Identifiers: ClinVar variation 931057 (VCV000931057.3), dbSNP rs1832698457, ClinGen allele CA1139661383.
Genomic context (GRCh38, chr10:8,058,796, plus strand): 5'-TACGTGCCCGAGTACAGCTCCGGACTCTTCCCCCCCAGCAGCCTGCTGGGCGGCTCCCCC[A>CC]CCGGCTTCGGATGCAAGTCCAGGCCCAAGGCCCGGTCCAGCACAGGTAGGAGCCAGCTCT-3'

ClinVar aggregate classification (germline): Pathogenic (1 of 4 stars; one submission).

Conditions:
Hypoparathyroidism, deafness, renal disease syndrome (HDRS). Also called: HYPOPARATHYROIDISM, SENSORINEURAL DEAFNESS, AND RENAL DYSPLASIA SYNDROME. Identifiers: Orphanet 2237, MedGen C1840333, MONDO:0007797, OMIM 146255.

Submission:

Centre for Mendelian Genomics, University Medical Centre Ljubljana
Classification: Pathogenic for Hypoparathyroidism, deafness, renal disease syndrome. Last evaluated: 2019-03-22. Review status: criteria provided, single submitter. Criteria: ACMG Guidelines, 2015. Collection method: clinical testing. Allele origin: unknown. Affected: yes.
Comment: This variant was classified as: Pathogenic. The following ACMG criteria were applied in classifying this variant: PVS1,PM2,PM6.